The following is an entry in ClinVar:

NM_001365951.3(KIF1B):c.5156C>T (p.Ala1719Val)

Gene: KIF1B (kinesin family member 1B; plus strand). Cytogenetic location: 1p36.22.
Variant type: single nucleotide variant.
Coding change: c.5156C>T on transcript NM_001365951.3 (MANE Select); coding-DNA position 5156, C replaced by T.
Protein change: p.Ala1719Val; replaces alanine 1719 with valine.
Molecular consequence: missense variant.
Genome position (GRCh38, 1-based): chr1:10,374,913, C>T. VCF-style: chr1-10374913-C-T. GRCh37 (hg19) VCF-style: chr1-10434971-C-T.
Other names: c.5156C>T, p.Ala1719Val (NM_001365952.1); c.5018C>T, p.Ala1673Val (NM_015074.3); short protein forms A1673V, A1719V.
Identifiers: ClinVar variation 1495737 (VCV001495737.6), dbSNP rs2102363299, ClinGen allele CA338330571.

ClinVar aggregate classification (germline): Uncertain significance (1 of 4 stars; one submission).

Conditions:
Charcot-Marie-Tooth disease type 2. Also called: Charcot-Marie-Tooth type 2. Identifiers: Orphanet 64746, MedGen C0270914, MONDO:0018993.

Submission:

Labcorp Genetics (formerly Invitae), Labcorp
Classification: Uncertain significance for Charcot-Marie-Tooth disease type 2. Last evaluated: 2021-11-15. Review status: criteria provided, single submitter. Criteria: Invitae Variant Classification Sherloc (09022015). Collection method: clinical testing. Allele origin: germline.
Comment: In summary, the available evidence is currently insufficient to determine the role of this variant in disease. Therefore, it has been classified as a Variant of Uncertain Significance. Algorithms developed to predict the effect of missense changes on protein structure and function output the following: SIFT: "Tolerated"; PolyPhen-2: "Benign"; Align-GVGD: "Class C0". The valine amino acid residue is found in multiple mammalian species, which suggests that this missense change does not adversely affect protein function. This variant has not been reported in the literature in individuals affected with KIF1B-related conditions. This variant is not present in population databases (gnomAD no frequency). This sequence change replaces alanine, which is neutral and non-polar, with valine, which is neutral and non-polar, at codon 1673 of the KIF1B protein (p.Ala1673Val).